The following is an entry in ClinVar:

ClinVar aggregate classification (germline): Uncertain significance. Review status: criteria provided, multiple submitters, no conflicts (2 of 4 stars). 6 submissions from 6 submitters: Uncertain significance (6). Last evaluated 2026-07-21.

Conditions:
SMARCA4-related disorder. Also called: SMARCA4-related condition.
Hereditary cancer-predisposing syndrome. Also called: Neoplastic Syndromes, Hereditary; Hereditary Cancer Syndrome; Tumor predisposition; Hereditary neoplastic syndrome. Identifiers: Orphanet 140162, MedGen C0027672, MeSH D009386, MONDO:0015356.
Intellectual disability, autosomal dominant 16 (CSS4). Also called: COFFIN-SIRIS SYNDROME 4. Identifiers: Orphanet 1465, MedGen C3553249, MONDO:0013821, OMIM 614609.
Rhabdoid tumor predisposition syndrome 2 (RTPS2). Identifiers: Orphanet 231108, Orphanet 69077, MedGen C2750074, MONDO:0013224, OMIM 613325.

Submissions (6):

PreventionGenetics, part of Exact Sciences
Classification: Uncertain significance for SMARCA4-related condition. Last evaluated: 2026-07-21. Review status: criteria provided, single submitter. Criteria: ACMG Guidelines, 2015. Collection method: clinical testing. Allele origin: germline.
Comment: The SMARCA4 c.803_811del9 variant is predicted to result in an in-frame deletion (p.Val268_Pro270del). To our knowledge, this variant has not been reported in the literature or in a large population database (gnomAD), indicating this variant is rare. This variant is interpreted as a variant of uncertain significance in ClinVar (Variation ID: 480595). At this time, the clinical significance of this variant is uncertain due to the absence of conclusive functional and genetic evidence.

Labcorp Genetics (formerly Invitae), Labcorp
Classification: Uncertain significance for Rhabdoid tumor predisposition syndrome 2. Last evaluated: 2025-11-22. Review status: criteria provided, single submitter. Criteria: Invitae Variant Classification Sherloc (09022015). Collection method: clinical testing. Allele origin: germline.
Comment: This variant, c.803_811del, results in the deletion of 3 amino acid(s) of the SMARCA4 protein (p.Val268_Pro270del), but otherwise preserves the integrity of the reading frame. This variant is not present in population databases (gnomAD no frequency). This variant has not been reported in the literature in individuals affected with SMARCA4-related conditions. ClinVar contains an entry for this variant (Variation ID: 480595). Experimental studies and prediction algorithms are not available or were not evaluated, and the functional significance of this variant is currently unknown. In summary, the available evidence is currently insufficient to determine the role of this variant in disease. Therefore, it has been classified as a Variant of Uncertain Significance.

Ambry Genetics
Classification: Uncertain significance for Hereditary cancer-predisposing syndrome. Last evaluated: 2024-04-19. Review status: criteria provided, single submitter. Criteria: Ambry Variant Classification Scheme 2023. Collection method: clinical testing. Allele origin: germline.
Comment: The c.803_811delTGCCCCCCG variant (also known as p.V268_P270del) is located in coding exon 4 of the SMARCA4 gene. This variant results from an in-frame deletion of 9 nucleotides (TGCCCCCCG) at nucleotide positions 803 to 811. This results in the in-frame deletion of 3 amino acids (VPP) at codons 268 to 270. The deleted amino acid positions are well conserved in available vertebrate species. In addition, the in silico prediction for this alteration is inconclusive (Choi Y et al. PLoS ONE. 2012; 7(10):e46688). Since supporting evidence is limited at this time, the clinical significance of this alteration remains unclear.

Baylor Genetics
Classification: Uncertain significance for Rhabdoid tumor predisposition syndrome 2. Last evaluated: 2024-03-13. Review status: criteria provided, single submitter. Criteria: ACMG Guidelines, 2015. Collection method: clinical testing. Allele origin: unknown.

GeneDx
Classification: Uncertain significance. Last evaluated: 2024-01-16. Review status: criteria provided, single submitter. Criteria: GeneDx Variant Classification Process June 2021. Collection method: clinical testing. Allele origin: germline. Affected: yes.
Comment: In-frame deletion of 3 amino acids in a non-repeat region; In silico analysis supports that this variant does not alter protein structure/function; Not observed at significant frequency in large population cohorts (gnomAD); Has not been previously published as pathogenic or benign to our knowledge

Genome-Nilou Lab
Classification: Uncertain significance for Intellectual disability, autosomal dominant 16. Last evaluated: 2021-07-15. Review status: criteria provided, single submitter. Criteria: ACMG Guidelines, 2015. Collection method: clinical testing. Allele origin: germline. Affected: no.

NM_003072.5(SMARCA4):c.803_811del (p.Val268_Pro270del)

Gene: SMARCA4 (SWI/SNF related BAF chromatin remodeling complex subunit ATPase 4; plus strand). Cytogenetic location: 19p13.2.
Variant type: Deletion.
Coding change: c.803_811del on transcript NM_003072.5 (MANE Select); coding-DNA positions 803 to 811, 9 bases deleted (TGCCCCCCG; older notation c.803_811delTGCCCCCCG).
Protein change: p.Val268_Pro270del.
Molecular consequence: inframe deletion. On other transcripts: non-coding transcript variant (1).
Genome position (GRCh38, 1-based): chr19:10,986,947-10,986,955, TGCCCCCCG deleted; deleting any 9 consecutive bases within chr19:10,986,945-10,986,955 gives the same sequence; the c. name uses the placement nearest the transcript's 3' end. VCF-style (leftmost placement, unchanged base first): chr19-10986944-GCGTGCCCCC-G. GRCh37 (hg19) VCF-style: chr19-11097620-GCGTGCCCCC-G.
Other names: c.803_811del9 (NM_001128849.1); c.803_811del (NM_001128849.1); c.803_811del, p.Val268_Pro270del (NM_001128844.3, NM_001128845.2, NM_001128846.2 and 5 more transcripts).
Identifiers: ClinVar variation 480595 (VCV000480595.21), dbSNP rs1555754225, ClinGen allele CA658656754.